The following is an entry in ClinVar:

NM_003995.4(NPR2):c.1633-10C>A

Gene: NPR2 (natriuretic peptide receptor 2; plus strand). Cytogenetic location: 9p13.3.
Variant type: single nucleotide variant.
Coding change: c.1633-10C>A on transcript NM_003995.4 (MANE Select); 10 bases into the intron before coding-DNA position 1633, C replaced by A.
Molecular consequence: intron variant.
Genome position (GRCh38, 1-based): chr9:35,802,196, C>A. VCF-style: chr9-35802196-C-A. GRCh37 (hg19) VCF-style: chr9-35802193-C-A.
Other names: c.1642-10C>A (NM_001378923.1).
Identifiers: ClinVar variation 707557 (VCV000707557.14), dbSNP rs201550050, ClinGen allele CA5051766.
Genomic context (GRCh38, chr9:35,802,196, plus strand): 5'-TCTCTAGCATTTCCTTGTACCCAGAACTTCTGATATTCACTTTCCTTTCCCCTTTCACTC[C>A]CACCATCAGGGAAATGTTGTCGCCATCAAACATGTGAATAAGAAGCGCATTGAGCTGACC-3'

ClinVar aggregate classification (germline): Benign/Likely benign. Review status: criteria provided, multiple submitters, no conflicts (2 of 4 stars). 2 submissions from 2 submitters: Benign (1); Likely benign (1). Last evaluated 2025-12-01.

Conditions:
Acromesomelic dysplasia 1, Maroteaux type (AMD1). Also called: ACROMESOMELIC DYSPLASIA 1; ST. HELENA DYSPLASIA. Identifiers: Orphanet 40, MedGen C1864356, MONDO:0011275, OMIM 602875.
Tall stature-scoliosis-macrodactyly of the great toes syndrome. Also called: Epiphyseal chondrodysplasia, miura type. Identifiers: Orphanet 329191, MedGen C4014690, MONDO:0014401, OMIM 615923.

Allele frequency attached by ClinVar (database versions not stated): gnomAD 0.00012 and 0.00015; 1000 Genomes Project 30x 0.00016; TOPMed 0.00018; 1000 Genomes Project 0.00020.
gnomAD v4.1: 95 of 1,574,750 alleles (0.006%); highest among the groups gnomAD compares: East Asian, 0.2%; 1 homozygote.

Submissions (3):

Labcorp Genetics (formerly Invitae), Labcorp
Classification: Benign for Tall stature-scoliosis-macrodactyly of the great toes syndrome; Acromesomelic dysplasia 1, Maroteaux type. Last evaluated: 2025-12-01. Review status: criteria provided, single submitter. Criteria: Invitae Variant Classification Sherloc (09022015). Collection method: clinical testing. Allele origin: germline.

Illumina Laboratory Services, Illumina
Classification: Likely benign for Acromesomelic dysplasia 1, Maroteaux type. Last evaluated: 2018-01-12. Review status: criteria provided, single submitter. Criteria: ICSL Variant Classification Criteria 13 December 2019. Collection method: clinical testing. Allele origin: germline.
Comment: This variant was observed in the ICSL laboratory as part of a predisposition screen in an ostensibly healthy population. It had not been previously curated by ICSL or reported in the Human Gene Mutation Database (HGMD: prior to June 1st, 2018), and was therefore a candidate for classification through an automated scoring system. Utilizing variant allele frequency, disease prevalence and penetrance estimates, and inheritance mode, an automated score was calculated to assess if this variant is too frequent to cause the disease. Based on the score and internal cut-off values, a variant classified as likely benign is not then subjected to further curation. The score for this variant resulted in a classification of likely benign for this disease.

Dr. Peter K. Rogan Lab, Western University
No classification provided (evidence only). Condition: Clear cell carcinoma of kidney. Review status: no classification provided. Collection method: in vitro. Allele origin: not applicable. Functional consequence: retained intron. Not counted in ClinVar's aggregate classification.